The following is an entry in ClinVar:

ClinVar aggregate classification (germline): Uncertain significance (1 of 4 stars; one submission).

Conditions:
Charcot-Marie-Tooth disease axonal type 2O. Also called: CHARCOT-MARIE-TOOTH NEUROPATHY, AXONAL, TYPE 2O; CHARCOT-MARIE-TOOTH DISEASE, AXONAL, AUTOSOMAL DOMINANT, TYPE 2O; Charcot-Marie-Tooth Neuropathy Type 2O; Charcot-Marie-Tooth disease, axonal, type 20. Identifiers: Orphanet 284232, MedGen C3280220, MONDO:0013644, OMIM 614228.

Allele frequency attached by ClinVar (database versions not stated): gnomAD exomes below 0.00001.
gnomAD v4.1: 1 of 1,614,162 alleles (0.000062%); highest among the groups gnomAD compares: Non-Finnish European, 0.000085%; no homozygotes.

Submission:

Labcorp Genetics (formerly Invitae), Labcorp
Classification: Uncertain significance for Charcot-Marie-Tooth disease axonal type 2O. Last evaluated: 2022-07-08. Review status: criteria provided, single submitter. Criteria: Invitae Variant Classification Sherloc (09022015). Collection method: clinical testing. Allele origin: germline.
Comment: In summary, the available evidence is currently insufficient to determine the role of this variant in disease. Therefore, it has been classified as a Variant of Uncertain Significance. Advanced modeling of protein sequence and biophysical properties (such as structural, functional, and spatial information, amino acid conservation, physicochemical variation, residue mobility, and thermodynamic stability) performed at Invitae indicates that this missense variant is not expected to disrupt DYNC1H1 protein function. This variant has not been reported in the literature in individuals affected with DYNC1H1-related conditions. This variant is not present in population databases (gnomAD no frequency). This sequence change replaces glutamic acid, which is acidic and polar, with lysine, which is basic and polar, at codon 1011 of the DYNC1H1 protein (p.Glu1011Lys).

NM_001376.5(DYNC1H1):c.3031G>A (p.Glu1011Lys)

Gene: DYNC1H1 (dynein cytoplasmic 1 heavy chain 1; plus strand). Cytogenetic location: 14q32.31.
Variant type: single nucleotide variant.
Coding change: c.3031G>A on transcript NM_001376.5 (MANE Select); coding-DNA position 3031, G replaced by A.
Protein change: p.Glu1011Lys; replaces glutamic acid 1011 with lysine.
Molecular consequence: missense variant.
Genome position (GRCh38, 1-based): chr14:101,994,199, G>A. VCF-style: chr14-101994199-G-A. GRCh37 (hg19) VCF-style: chr14-102460536-G-A.
Other names: short protein forms E1011K.
Identifiers: ClinVar variation 1937373 (VCV001937373.5), dbSNP rs2503713173, ClinGen allele CA391031861.